The following is an entry in ClinVar:

ClinVar aggregate classification (germline): Uncertain significance (1 of 4 stars; one submission).

gnomAD v4.1: 2 of 1,613,968 alleles (0.00012%); no homozygotes.

Submission:

GeneDx
Classification: Uncertain significance. Last evaluated: 2026-02-28. Review status: criteria provided, single submitter. Criteria: GeneDx Variant Classification Process June 2021. Collection method: clinical testing. Allele origin: germline.
Comment: Not observed at significant frequency in large population cohorts (gnomAD); In silico analysis supports that this missense variant has a deleterious effect on protein structure/function; Has not been previously published as pathogenic or benign to our knowledge

NM_017780.4(CHD7):c.1145A>G (p.His382Arg)

Gene: CHD7 (chromodomain helicase DNA binding protein 7; plus strand). Cytogenetic location: 8q12.2.
Variant type: single nucleotide variant.
Coding change: c.1145A>G on transcript NM_017780.4 (MANE Select); coding-DNA position 1145, A replaced by G.
Protein change: p.His382Arg; replaces histidine 382 with arginine.
Molecular consequence: missense variant.
Genome position (GRCh38, 1-based): chr8:60,742,577, A>G. VCF-style: chr8-60742577-A-G. GRCh37 (hg19) VCF-style: chr8-61655136-A-G.
Other names: c.1145A>G, p.His382Arg (NM_001316690.1); short protein forms H382R.
Identifiers: ClinVar variation 5008206 (VCV005008206.1).